The following continues an entry in ClinVar:

NM_002485.5(NBN):c.511A>G (p.Ile171Val)

Gene: NBN. ClinVar aggregate classification (germline): Conflicting classifications of pathogenicity. Uncertain significance (16); Benign (4); Likely benign (8).

Submission 33 of 33:

Department of Pathology and Laboratory Medicine, Sinai Health System
Classification: Uncertain significance for Carcinoma of colon. Review status: no assertion criteria provided. Collection method: clinical testing. Allele origin: unknown. Affected: yes. Study: The Canadian Open Genetics Repository (COGR). Not counted in ClinVar's aggregate classification.
Comment: The NBN p.Ile171Val variant was identified in 84 of 9038 proband chromosomes (frequency: 0.01) from individuals or families with acute lymphoblastic leukemia, lung cancer, breast and ovarian cancer, head and neck cancer, colorectal cancer, aplastic anemia and other hematological malignancies and was not identified in 220 control chromosomes from healthy individuals (Varon 2001, Kaluzna 2015, Desjardins 2009, Ziolkowska 2007, Nowak 2008, Bogdanova 2008, Kanka 2007). The variant was also identified in the following databases: ClinVar (1x pathogenic: OMIM 1x â€šÃ„Ãºrisk factorâ€šÃ„Ã¹; 4x uncertain significance: GeneDx, Ambry Genetics, Emory Genetics, University of Chicago; 1x benign Invitae; 1x not provided ITMI), LOVD 3.0 (1x not classified), and the Zhejiang University database (5x probably pathogenic, 1x pathogenic). The variant was not identified in the COSMIC database. The variant was identified in control databases in 418 of 277070 chromosomes at a frequency of 0.002 increasing the likelihood this could be a low frequency benign variant (Genome Aggregation Consortium Feb 27, 2017); it was identified in the following populations: European (Non-Finnish) in 327 of 126600 chromosomes (frequency 0.003), European (Finnish) in 37 of 25785 chromosomes (frequency 0.001), East Asian in 27 of 18870 chromosomes (frequency 0.001), Other in 8 of 6458 chromosomes (frequency 0.001), Ashkenazi Jewish in 4 of 10148 chromosomes (frequency 0.0004), African in 6 of 24026 chromosomes (frequency 0.0002), Latino in 8 of 34404 chromosomes (frequency 0.0002), and South Asian in 1 of 30782 chromosomes (frequency 0.00003). However the patient had no features of Nijmegen breakage syndrome. The p.Ile171Val residue is conserved in mammals and computational analyses (PolyPhen-2, SIFT, AlignGVGD, BLOSUM, MutationTaster) provide inconsistent predictions regarding the impact to the protein; this information is not very predictive of pathogenicity. The variant occurs outside of the splicing consensus sequence and 3 of 5 in silico or computational prediction software programs (SpliceSiteFinder, MaxEntScan, NNSPLICE, GeneSplicer, HumanSpliceFinder) predict a greater than 10% difference in splicing. However, this information is not predictive enough to assume pathogenicity. In summary, based on the above information, the clinical significance of this variant cannot be determined with certainty at this time. This variant is classified as a variant of uncertain significance.

Literature cited by the submitters: PubMed 30287823 (cited by Quest Diagnostics Nichols Institute San Juan Capistrano); PubMed 29785153 (cited by Quest Diagnostics Nichols Institute San Juan Capistrano); PubMed 31159747 (cited by Quest Diagnostics Nichols Institute San Juan Capistrano); PubMed 30651582 (cited by Quest Diagnostics Nichols Institute San Juan Capistrano); PubMed 28376765 (cited by Quest Diagnostics Nichols Institute San Juan Capistrano); PubMed 28591191 (cited by Quest Diagnostics Nichols Institute San Juan Capistrano); PubMed 28076423 (cited by Quest Diagnostics Nichols Institute San Juan Capistrano); PubMed 35264596 (cited by Quest Diagnostics Nichols Institute San Juan Capistrano); PubMed 34284872 (cited by Quest Diagnostics Nichols Institute San Juan Capistrano); PubMed 11325820 (cited by 6 submitters); PubMed 24728327 (cited by 4 submitters); PubMed 19908051 (cited by Quest Diagnostics Nichols Institute San Juan Capistrano and Eurofins Ntd Llc (ga)); PubMed 19523210 (cited by 3 submitters); PubMed 22131123 (cited by 5 submitters); PubMed 24830725 (cited by 6 submitters); PubMed 24113799 (cited by 4 submitters); PubMed 19813148 (cited by 3 submitters); PubMed 26722329 (cited by 3 submitters); PubMed 25712764 (cited by 3 submitters); PubMed 24093751 (cited by 4 submitters); PubMed 18280732 (cited by 3 submitters); PubMed 17899368 (cited by 3 submitters); PubMed 15338273 (cited by 5 submitters); PubMed 23317186 (cited by Quest Diagnostics Nichols Institute San Juan Capistrano and Eurofins Ntd Llc (ga)); PubMed 19393249 (cited by Quest Diagnostics Nichols Institute San Juan Capistrano); PubMed 25619955 (cited by Quest Diagnostics Nichols Institute San Juan Capistrano and Women's Health and Genetics/Laboratory Corporation of America, LabCorp); PubMed 27621404 (cited by Quest Diagnostics Nichols Institute San Juan Capistrano); PubMed 18049891 (cited by 4 submitters); PubMed 26083025 (cited by 3 submitters); PubMed 30590007 (cited by Quest Diagnostics Nichols Institute San Juan Capistrano); PubMed 29678143 (cited by Quest Diagnostics Nichols Institute San Juan Capistrano); PubMed 28261280 (cited by Quest Diagnostics Nichols Institute San Juan Capistrano and Ambry Genetics); PubMed 29335925 (cited by Quest Diagnostics Nichols Institute San Juan Capistrano and Women's Health and Genetics/Laboratory Corporation of America, LabCorp); PubMed 30441849 (cited by Quest Diagnostics Nichols Institute San Juan Capistrano and Women's Health and Genetics/Laboratory Corporation of America, LabCorp); PubMed 27616075 (cited by Quest Diagnostics Nichols Institute San Juan Capistrano and Women's Health and Genetics/Laboratory Corporation of America, LabCorp); PubMed 27153395 (cited by Quest Diagnostics Nichols Institute San Juan Capistrano and Women's Health and Genetics/Laboratory Corporation of America, LabCorp); PubMed 16474176 (cited by Ambry Genetics); PubMed 19452044 (cited by Ambry Genetics); PubMed 21698754 (cited by Ambry Genetics); PubMed 22373003 (cited by Ambry Genetics); PubMed 23555315 (cited by Women's Health and Genetics/Laboratory Corporation of America, LabCorp); PubMed 26315354 (cited by Women's Health and Genetics/Laboratory Corporation of America, LabCorp); PubMed 17894553 (cited by Women's Health and Genetics/Laboratory Corporation of America, LabCorp); PubMed 14559852 (cited by Women's Health and Genetics/Laboratory Corporation of America, LabCorp and Eurofins Ntd Llc (ga)); PubMed 17695489 (cited by Women's Health and Genetics/Laboratory Corporation of America, LabCorp and Eurofins Ntd Llc (ga)); PubMed 21212067 (cited by Women's Health and Genetics/Laboratory Corporation of America, LabCorp); PubMed 16810201 (cited by Eurofins Ntd Llc (ga)).